The following is an entry in ClinVar:

ClinVar aggregate classification (germline): Likely pathogenic (1 of 4 stars; one submission).

Conditions:
Exudative vitreoretinopathy 4 (EVR4). Identifiers: Orphanet 891, MedGen C1866176, MONDO:0011151, OMIM 601813.

Submission:

MVZ Medizinische Genetik Mainz
Classification: Likely pathogenic for Exudative vitreoretinopathy 4. Last evaluated: 2025-02-12. Review status: criteria provided, single submitter. Criteria: UK Practice Guidelines For Variant Classification V4 01 2020. Collection method: clinical testing. Allele origin: germline. Inheritance: Autosomal dominant inheritance. Affected: yes. Observed: 1 variant allele.
Comment: ACMG Criteria: PVS1,PM2_SUP

NM_002335.4(LRP5):c.2391dup (p.Thr798fs)

Gene: LRP5 (LDL receptor related protein 5; plus strand). Cytogenetic location: 11q13.2.
Variant type: Duplication.
Coding change: c.2391dup on transcript NM_002335.4 (MANE Select); coding-DNA position 2391, one base duplicated (G; older notation c.2391dupG).
Protein change: p.Thr798fs; shifts the reading frame from threonine 798.
Molecular consequence: frameshift variant.
Genome position (GRCh38, 1-based): chr11:68,411,508, G duplicated. VCF-style (leftmost placement, unchanged base first): chr11-68411507-T-TG. GRCh37 (hg19) VCF-style: chr11-68178975-T-TG.
Other names: c.648dup, p.Thr217fs (NM_001291902.2); short protein forms T217fs, T798fs.
Identifiers: ClinVar variation 3774578 (VCV003774578.1).